The following is an entry in ClinVar:

NM_001163278.2(TENM1):c.8156A>G (p.Asn2719Ser)

Gene: TENM1 (teneurin transmembrane protein 1; minus strand). Cytogenetic location: Xq25.
Variant type: single nucleotide variant.
Coding change: c.8156A>G on transcript NM_001163278.2 (MANE Select); coding-DNA position 8156, A replaced by G.
Protein change: p.Asn2719Ser; replaces asparagine 2719 with serine.
Molecular consequence: missense variant.
Genome position (GRCh38, 1-based): chrX:124,380,579, T>C on the plus strand (A>G on the coding strand, the complement: TENM1 is on the minus strand). VCF-style: chrX-124380579-T-C. GRCh37 (hg19) VCF-style: chrX-123514429-T-C.
Other names: c.8153A>G, p.Asn2718Ser (NM_001163279.1); c.8135A>G, p.Asn2712Ser (NM_014253.3); short protein forms N2712S, N2718S, N2719S.
Identifiers: ClinVar variation 3042360 (VCV003042360.2), dbSNP rs146419593, ClinGen allele CA10509320.

ClinVar aggregate classification (germline): Likely benign (0 of 4 stars; one submission).

Conditions:
TENM1-related disorder. Also called: TENM1-related condition.

Allele frequency attached by ClinVar (database versions not stated): gnomAD exomes 0.00018; 1000 Genomes Project 0.00026; ExAC 0.00049; 1000 Genomes Project 30x 0.00083; gnomAD 0.00156; TOPMed 0.00180; ESP Exome Variant Server 0.00246.
gnomAD v4.1: 377 of 1,208,812 alleles (0.031%); highest among the groups gnomAD compares: African/African-American, 0.6%; 2 homozygotes.

Submission:

PreventionGenetics, part of Exact Sciences
Classification: Likely benign for TENM1-related condition. Last evaluated: 2019-04-24. Review status: no assertion criteria provided. Collection method: clinical testing. Allele origin: germline.
Comment: This variant is classified as likely benign based on ACMG/AMP sequence variant interpretation guidelines (Richards et al. 2015 PMID: 25741868, with internal and published modifications).